The following is an entry in ClinVar:

ClinVar aggregate classification (germline): Uncertain significance (1 of 4 stars; one submission).

Conditions:
Sulfite oxidase deficiency due to molybdenum cofactor deficiency type A. Also called: Molybdenum cofactor deficiency, complementation group A; Molybdenum Cofactor Deficiency A. Identifiers: Orphanet 308386, Orphanet 833, MedGen C1854988, MONDO:0009643, OMIM 252150.

Allele frequency attached by ClinVar (database versions not stated): TOPMed 0.00001.
gnomAD v4.1: 2 of 1,612,542 alleles (0.00012%); highest among the groups gnomAD compares: Non-Finnish European, 0.000085%; no homozygotes.

Submission:

Labcorp Genetics (formerly Invitae), Labcorp
Classification: Uncertain significance for Sulfite oxidase deficiency due to molybdenum cofactor deficiency type A. Last evaluated: 2022-03-06. Review status: criteria provided, single submitter. Criteria: Invitae Variant Classification Sherloc (09022015). Collection method: clinical testing. Allele origin: germline.
Comment: This sequence change replaces valine, which is neutral and non-polar, with phenylalanine, which is neutral and non-polar, at codon 93 of the MOCS1 protein (p.Val93Phe). This variant is present in population databases (no rsID available, gnomAD 0.0009%). This variant has not been reported in the literature in individuals affected with MOCS1-related conditions. Algorithms developed to predict the effect of missense changes on protein structure and function are either unavailable or do not agree on the potential impact of this missense change (SIFT: "Not Available"; PolyPhen-2: "Probably Damaging"; Align-GVGD: "Not Available"). In summary, the available evidence is currently insufficient to determine the role of this variant in disease. Therefore, it has been classified as a Variant of Uncertain Significance.

NM_001358530.2(MOCS1):c.277G>T (p.Val93Phe)

Gene: MOCS1 (molybdenum cofactor synthesis 1; minus strand). Cytogenetic location: 6p21.2.
Variant type: single nucleotide variant.
Coding change: c.277G>T on transcript NM_001358530.2 (MANE Select); coding-DNA position 277, G replaced by T.
Protein change: p.Val93Phe; replaces valine 93 with phenylalanine.
Molecular consequence: missense variant. On other transcripts: non-coding transcript variant (1).
Genome position (GRCh38, 1-based): chr6:39,925,819, C>A on the plus strand (G>T on the coding strand, the complement: MOCS1 is on the minus strand). VCF-style: chr6-39925819-C-A. GRCh37 (hg19) VCF-style: chr6-39893563-C-A.
Other names: c.277G>T, p.Val93Phe (NM_001075098.4, NM_001358529.2, NM_005943.6); c.16G>T, p.Val6Phe (NM_001358531.2, NM_001358533.2, NM_001358534.2); short protein forms V6F, V93F.
Identifiers: ClinVar variation 2139855 (VCV002139855.1), dbSNP rs1314629193, ClinGen allele CA364044878.